The following is an entry in ClinVar:

NM_001101.5(ACTB):c.22C>G (p.Leu8Val)

Gene: ACTB (actin beta; minus strand). Cytogenetic location: 7p22.1.
Variant type: single nucleotide variant.
Coding change: c.22C>G on transcript NM_001101.5 (MANE Select); coding-DNA position 22, C replaced by G.
Protein change: p.Leu8Val; replaces leucine 8 with valine.
Molecular consequence: missense variant.
Genome position (GRCh38, 1-based): chr7:5,529,636, G>C on the plus strand (C>G on the coding strand, the complement: ACTB is on the minus strand). VCF-style: chr7-5529636-G-C. GRCh37 (hg19) VCF-style: chr7-5569267-G-C.
Other names: short protein forms L8V.
Identifiers: ClinVar variation 2810155 (VCV002810155.3), dbSNP rs11546895, ClinGen allele CA366707293.

ClinVar aggregate classification (germline): Uncertain significance (1 of 4 stars; one submission).

Conditions:
Baraitser-Winter syndrome 1 (BRWS1). Also called: PACHYGYRIA, MENTAL RETARDATION, EPILEPSY, AND CHARACTERISTIC FACIES; MENTAL RETARDATION WITH EPILEPSY AND CHARACTERISTIC FACIES; Cerebrofrontofacial syndrome; BARAITSER-WINTER SYNDROME 1, ATYPICAL. Identifiers: Orphanet 2649, Orphanet 2995, MedGen C1855722, MONDO:0009470, OMIM 243310.

Submission:

Labcorp Genetics (formerly Invitae), Labcorp
Classification: Uncertain significance for Baraitser-Winter syndrome 1. Last evaluated: 2023-09-30. Review status: criteria provided, single submitter. Criteria: Invitae Variant Classification Sherloc (09022015). Collection method: clinical testing. Allele origin: germline.
Comment: This sequence change replaces leucine, which is neutral and non-polar, with valine, which is neutral and non-polar, at codon 8 of the ACTB protein (p.Leu8Val). This variant is not present in population databases (gnomAD no frequency). This variant has not been reported in the literature in individuals affected with ACTB-related conditions. Advanced modeling of protein sequence and biophysical properties (such as structural, functional, and spatial information, amino acid conservation, physicochemical variation, residue mobility, and thermodynamic stability) performed at Invitae indicates that this missense variant is not expected to disrupt ACTB protein function. In summary, the available evidence is currently insufficient to determine the role of this variant in disease. Therefore, it has been classified as a Variant of Uncertain Significance.